The following is an entry in ClinVar:

ClinVar aggregate classification (germline): Uncertain significance (1 of 4 stars; one submission).

Allele frequency attached by ClinVar (database versions not stated): gnomAD exomes below 0.00001.
gnomAD v4.1: 1 of 1,614,210 alleles (0.000062%); highest among the groups gnomAD compares: Admixed American, 0.0017%; no homozygotes.

Submission:

GeneDx
Classification: Uncertain significance. Last evaluated: 2023-06-14. Review status: criteria provided, single submitter. Criteria: GeneDx Variant Classification Process June 2021. Collection method: clinical testing. Allele origin: germline. Affected: yes.
Comment: Not observed at a significant frequency in large population cohorts (gnomAD); Within the transmembrane domain (Lee et al., 2010; Sanmaneechai et al., 2015); The majority of missense variants in this gene are considered pathogenic; In silico analysis, which includes protein predictors and evolutionary conservation, supports that this variant does not alter protein structure/function; Has not been previously published as pathogenic or benign to our knowledge; This variant is associated with the following publications: (PMID: 20461396, 26310628)

NM_000530.8(MPZ):c.464G>T (p.Gly155Val)

Gene: MPZ (myelin protein zero; minus strand). Cytogenetic location: 1q23.3.
Variant type: single nucleotide variant.
Coding change: c.464G>T on transcript NM_000530.8 (MANE Select); coding-DNA position 464, G replaced by T.
Protein change: p.Gly155Val; replaces glycine 155 with valine.
Molecular consequence: missense variant.
Genome position (GRCh38, 1-based): chr1:161,306,449, C>A on the plus strand (G>T on the coding strand, the complement: MPZ is on the minus strand). VCF-style: chr1-161306449-C-A. GRCh37 (hg19) VCF-style: chr1-161276239-C-A.
Other names: c.464G>T (LRG_256t1); c.464G>T, p.Gly155Val (NM_001315491.2); short protein forms G155V.
Identifiers: ClinVar variation 245975 (VCV000245975.5), dbSNP rs879254028, ClinGen allele CA10584143.